The following is an entry in ClinVar:

NM_001395656.1(ROBO2):c.3243C>A (p.Pro1081=)

Gene: ROBO2 (roundabout guidance receptor 2; plus strand). Cytogenetic location: 3p12.3.
Variant type: single nucleotide variant.
Coding change: c.3243C>A on transcript NM_001395656.1 (MANE Select); coding-DNA position 3243, C replaced by A.
Protein change: p.Pro1081=; no amino-acid change (proline 1081 retained).
Molecular consequence: synonymous variant.
Genome position (GRCh38, 1-based): chr3:77,607,892, C>A. VCF-style: chr3-77607892-C-A. GRCh37 (hg19) VCF-style: chr3-77657043-C-A.
Other names: c.3279C>A, p.Pro1093= (NM_001128929.3); c.3243C>A, p.Pro1081= (NM_001290039.2, NM_001290040.2); c.1452C>A, p.Pro484= (NM_001290065.2); c.3291C>A, p.Pro1097= (NM_001378190.1, NM_001378200.1, NM_001378201.1 and 1 more transcripts); c.3417C>A, p.Pro1139= (NM_001378191.1, NM_001378195.1, NM_001378196.1); c.3312C>A, p.Pro1104= (NM_001378192.1, NM_001378198.1, NM_001378199.1); c.3231C>A, p.Pro1077= (NM_001378193.1, NM_002942.5); c.3429C>A, p.Pro1143= (NM_001378194.1); and 5 more.
Identifiers: ClinVar variation 2192448 (VCV002192448.5), dbSNP rs377172589, ClinGen allele CA2497587.

ClinVar aggregate classification (germline): Likely benign. Review status: criteria provided, single submitter (1 of 4 stars). 2 submissions from 2 submitters: Likely benign (1). 1 of the submissions does not count toward it. Last evaluated 2022-10-17.

Conditions:
ROBO2-related disorder. Also called: ROBO2-related condition.

gnomAD v4.1: 10 of 1,613,896 alleles (0.00062%); highest among the groups gnomAD compares: African/African-American, 0.0067%; no homozygotes.

Submissions (2):

Labcorp Genetics (formerly Invitae), Labcorp
Classification: Likely benign. Last evaluated: 2022-10-17. Review status: criteria provided, single submitter. Criteria: Invitae Variant Classification Sherloc (09022015). Collection method: clinical testing. Allele origin: germline.

PreventionGenetics, part of Exact Sciences
Classification: Likely benign for ROBO2-related condition. Last evaluated: 2024-09-26. Review status: no assertion criteria provided. Collection method: clinical testing. Allele origin: germline. Not counted in ClinVar's aggregate classification.
Comment: This variant is classified as likely benign based on ACMG/AMP sequence variant interpretation guidelines (Richards et al. 2015 PMID: 25741868, with internal and published modifications).